The following is an entry in ClinVar:

NM_014176.4(UBE2T):c.60del (p.Gly21fs)

Gene: UBE2T (ubiquitin conjugating enzyme E2 T; minus strand). Cytogenetic location: 1q32.1.
Variant type: Deletion.
Coding change: c.60del on transcript NM_014176.4 (MANE Select); coding-DNA position 60, one base deleted (A; older notation c.60delA).
Protein change: p.Gly21fs; shifts the reading frame from glycine 21.
Molecular consequence: frameshift variant. On other transcripts: 5 prime UTR variant (1).
Genome position (GRCh38, 1-based): chr1:202,335,695, T deleted on the plus strand (A on the coding strand, the reverse complement: UBE2T is on the minus strand). VCF-style (leftmost placement, unchanged base first): chr1-202335694-CT-C. GRCh37 (hg19) VCF-style: chr1-202304822-CT-C.
Other names: c.-35del (NM_001310326.2); short protein forms G21fs.
Identifiers: ClinVar variation 4886449 (VCV004886449.2).
Genomic context (GRCh38, chr1:202,335,694, plus strand): 5'-TTTGATACCTACGAGCTCGCAGGTCATCCATTTGGTCTTTATCTTGCCAACATGTGATGC[CT>C]GGGGGTGGCTCTGTGGCTAACATGTGCAGCTCTCTCTTCAGACGTGAAGCTCTCTGCATG-3'

ClinVar aggregate classification (germline): Likely pathogenic (1 of 4 stars; one submission).

Submission:

Dasa
Classification: Likely pathogenic. Last evaluated: 2026-03-09. Review status: criteria provided, single submitter. Criteria: DASA Assertion Criteria. Collection method: clinical testing. Allele origin: germline.
Comment: NM_014176.4(UBE2T):c.60del (p.Gly21Alafs*19) is a frameshift variant in UBE2T predicted to alter the reading frame and introduce a premature termination codon and is predicted to result in an absent or altered protein product. Loss of function is an established disease mechanism for UBE2T-associated disorders. Also, this variant is rare in population databases. Based on the currently available evidence, this variant is classified as likely pathogenic.